The following is an entry in ClinVar:

NM_001303.4(COX10):c.49G>A (p.Val17Ile)

Gene: COX10 (cytochrome c oxidase assembly factor heme A:farnesyltransferase COX10; plus strand). Cytogenetic location: 17p12.
Variant type: single nucleotide variant.
Coding change: c.49G>A on transcript NM_001303.4 (MANE Select); coding-DNA position 49, G replaced by A.
Protein change: p.Val17Ile; replaces valine 17 with isoleucine.
Molecular consequence: missense variant.
Genome position (GRCh38, 1-based): chr17:14,074,328, G>A. VCF-style: chr17-14074328-G-A. GRCh37 (hg19) VCF-style: chr17-13977645-G-A.
Other names: short protein forms V17I.
Identifiers: ClinVar variation 2183450 (VCV002183450.3), dbSNP rs746426795, ClinGen allele CA8402234.

ClinVar aggregate classification (germline): Uncertain significance. Review status: criteria provided, multiple submitters, no conflicts (2 of 4 stars). 2 submissions from 2 submitters: Uncertain significance (2). Last evaluated 2024-05-22.

Conditions:
Mitochondrial complex IV deficiency, nuclear type 3. Also called: Mitochondrial complex 4 deficiency, nuclear type 3. Identifiers: MedGen C5436682, MONDO:0033635, OMIM 619046.

Allele frequency attached by ClinVar (database versions not stated): ExAC 0.00006; TOPMed 0.00008.
gnomAD v4.1: 200 of 1,613,894 alleles (0.012%); highest among the groups gnomAD compares: Middle Eastern, 0.066%; no homozygotes.

Submissions (2):

Fulgent Genetics
Classification: Uncertain significance for Mitochondrial complex IV deficiency, nuclear type 3. Last evaluated: 2024-05-22. Review status: criteria provided, single submitter. Criteria: ACMG Guidelines, 2015. Collection method: clinical testing. Allele origin: germline.

Labcorp Genetics (formerly Invitae), Labcorp
Classification: Uncertain significance. Last evaluated: 2023-12-21. Review status: criteria provided, single submitter. Criteria: Invitae Variant Classification Sherloc (09022015). Collection method: clinical testing. Allele origin: germline.
Comment: This sequence change replaces valine, which is neutral and non-polar, with isoleucine, which is neutral and non-polar, at codon 17 of the COX10 protein (p.Val17Ile). This variant is present in population databases (rs746426795, gnomAD 0.02%). This variant has not been reported in the literature in individuals affected with COX10-related conditions. ClinVar contains an entry for this variant (Variation ID: 2183450). Algorithms developed to predict the effect of missense changes on protein structure and function output the following: SIFT: "Not Available"; PolyPhen-2: "Benign"; Align-GVGD: "Not Available". The isoleucine amino acid residue is found in multiple mammalian species, which suggests that this missense change does not adversely affect protein function. In summary, the available evidence is currently insufficient to determine the role of this variant in disease. Therefore, it has been classified as a Variant of Uncertain Significance.